The following is an entry in ClinVar:

ClinVar aggregate classification (germline): Benign/Likely benign. Review status: criteria provided, multiple submitters, no conflicts (2 of 4 stars). 2 submissions from 2 submitters: Benign (1); Likely benign (1). Last evaluated 2025-02-18.

Conditions:
Hereditary cancer-predisposing syndrome. Also called: Hereditary Cancer Syndrome; Hereditary neoplastic syndrome; Neoplastic Syndromes, Hereditary; Tumor predisposition. Identifiers: Orphanet 140162, MedGen C0027672, MeSH D009386, MONDO:0015356.
Breast-ovarian cancer, familial, susceptibility to, 3. Also called: RAD51C-Related Breast/Ovarian Cancer. Identifiers: Orphanet 145, MedGen C3150659, MONDO:0013253, OMIM 613399.

Submissions (2):

Myriad Genetics, Inc.
Classification: Benign for Breast-ovarian cancer, familial, susceptibility to, 3. Last evaluated: 2025-02-18. Review status: criteria provided, single submitter. Criteria: Myriad Autosomal Dominant, Autosomal Recessive and X-Linked Classification Criteria (2023). Collection method: clinical testing. Allele origin: unknown.
Comment: This variant is considered benign. This variant is a silent/synonymous amino acid change and it is not expected to impact splicing.

Ambry Genetics
Classification: Likely benign for Hereditary cancer-predisposing syndrome. Last evaluated: 2021-07-14. Review status: criteria provided, single submitter. Criteria: Ambry Variant Classification Scheme 2023. Collection method: clinical testing. Allele origin: germline.

NM_058216.3(RAD51C):c.474T>C (p.Ile158=)

Gene: RAD51C (RAD51 paralog C; plus strand). Cytogenetic location: 17q22.
Variant type: single nucleotide variant.
Coding change: c.474T>C on transcript NM_058216.3 (MANE Select); coding-DNA position 474, T replaced by C.
Protein change: p.Ile158=; no amino-acid change (isoleucine 158 retained).
Molecular consequence: synonymous variant.
Genome position (GRCh38, 1-based): chr17:58,696,762, T>C. VCF-style: chr17-58696762-T-C. GRCh37 (hg19) VCF-style: chr17-56774123-T-C.
Identifiers: ClinVar variation 1742836 (VCV001742836.3), dbSNP rs2509282052, ClinGen allele CA501074942.